The following is an entry in ClinVar:

ClinVar aggregate classification (germline): Pathogenic (1 of 4 stars; one submission).

Allele frequency attached by ClinVar (database versions not stated): gnomAD exomes below 0.00001.
gnomAD v4.1: 1 of 1,614,082 alleles (0.000062%); highest among the groups gnomAD compares: Non-Finnish European, 0.000085%; no homozygotes.

Submission:

Labcorp Genetics (formerly Invitae), Labcorp
Classification: Pathogenic. Last evaluated: 2023-09-12. Review status: criteria provided, single submitter. Criteria: Invitae Variant Classification Sherloc (09022015). Collection method: clinical testing. Allele origin: germline.
Comment: This sequence change creates a premature translational stop signal (p.Gln342*) in the CYP11B1 gene. It is expected to result in an absent or disrupted protein product. Loss-of-function variants in CYP11B1 are known to be pathogenic (PMID: 8506298, 26476331). This variant is not present in population databases (gnomAD no frequency). This premature translational stop signal has been observed in individual(s) with congenital adrenal hyperplasia (PMID: 34718183). ClinVar contains an entry for this variant (Variation ID: 1264328). For these reasons, this variant has been classified as Pathogenic.

Literature cited by the submitters: PubMed 8506298; PubMed 26476331; PubMed 34718183.

NM_000497.4(CYP11B1):c.1024C>T (p.Gln342Ter)

Genes: CYP11B1 (cytochrome P450 family 11 subfamily B member 1; minus strand), LOC106799833 (CYP11B1 recombination region; plus strand). Cytogenetic location: 8q24.3.
Variant type: single nucleotide variant.
Coding change: c.1024C>T on transcript NM_000497.4 (MANE Select); coding-DNA position 1024, C replaced by T.
Protein change: p.Gln342Ter; replaces glutamine 342 with a stop codon.
Molecular consequence: nonsense.
Genome position (GRCh38, 1-based): chr8:142,875,809, G>A on the plus strand (C>T on the coding strand, the complement: CYP11B1 is on the minus strand). VCF-style: chr8-142875809-G-A. GRCh37 (hg19) VCF-style: chr8-143957225-G-A.
Other names: c.1024C>T, p.Gln342Ter (NM_001026213.1); short protein forms Q342*.
Identifiers: ClinVar variation 1264328 (VCV001264328.4), dbSNP rs1043525925, ClinGen allele CA372394123.